The following is an entry in ClinVar:

GRCh38/hg38 15q13.3(chr15:31711334-32151842)x3

Genes: CHRNA7 (cholinergic receptor nicotinic alpha 7 subunit), OTUD7A (OTU deubiquitinase 7A; minus strand), LOC125078053 (Sharpr-MPRA regulatory region 11410; plus strand), LOC129390681 (MPRA-validated peak2289 silencer), LOC130056727 (ATAC-STARR-seq lymphoblastoid silent region 6268; plus strand). Cytogenetic location: 15q13.3.
Variant type: copy number gain.
Change: copy number 3 (three copies instead of two) of chr15:31,711,334-32,151,842 (440.5 kb, GRCh38 coordinates, 1-based), cytogenetic band 15q13.3.
Identifiers: ClinVar variation 4796439 (VCV004796439.1).

ClinVar aggregate classification (germline): Uncertain significance (1 of 4 stars; one submission).

Submission:

Medical Genetic Center, Changzhi Maternal and Child Health Care Hospital
Classification: Uncertain significance. Last evaluated: 2025-12-10. Review status: criteria provided, single submitter. Criteria: ACMG/ClinGen CNV Guidelines, 2019. Collection method: clinical testing. Allele origin: unknown.
Comment: 15q13.3 recurrent region (BP4-BP5) (includes CHRNA7) (TI score = 1)